The following is an entry in ClinVar:

ClinVar aggregate classification (germline): Uncertain significance (1 of 4 stars; one submission).

Allele frequency attached by ClinVar (database versions not stated): gnomAD exomes below 0.00001 and 0.00001; gnomAD 0.00004; TOPMed 0.00007.
gnomAD v4.1: 15 of 1,602,042 alleles (0.00094%); highest among the groups gnomAD compares: Non-Finnish European, 0.0013%; no homozygotes.

Submission:

Labcorp Genetics (formerly Invitae), Labcorp
Classification: Uncertain significance. Last evaluated: 2021-11-26. Review status: criteria provided, single submitter. Criteria: Invitae Variant Classification Sherloc (09022015). Collection method: clinical testing. Allele origin: germline.
Comment: This sequence change replaces aspartic acid, which is acidic and polar, with histidine, which is basic and polar, at codon 458 of the PDE4D protein (p.Asp458His). This variant is present in population databases (no rsID available, gnomAD 0.003%). This variant has not been reported in the literature in individuals affected with PDE4D-related conditions. Algorithms developed to predict the effect of missense changes on protein structure and function are either unavailable or do not agree on the potential impact of this missense change (SIFT: "Tolerated"; PolyPhen-2: "Probably Damaging"; Align-GVGD: "Class C0"). In summary, the available evidence is currently insufficient to determine the role of this variant in disease. Therefore, it has been classified as a Variant of Uncertain Significance.

NM_001104631.2(PDE4D):c.1372G>C (p.Asp458His)

Gene: PDE4D (phosphodiesterase 4D; minus strand). Cytogenetic location: 5q11.2.
Variant type: single nucleotide variant.
Coding change: c.1372G>C on transcript NM_001104631.2 (MANE Select); coding-DNA position 1372, G replaced by C.
Protein change: p.Asp458His; replaces aspartic acid 458 with histidine.
Molecular consequence: missense variant.
Genome position (GRCh38, 1-based): chr5:58,989,835, C>G on the plus strand (G>C on the coding strand, the complement: PDE4D is on the minus strand). VCF-style: chr5-58989835-C-G. GRCh37 (hg19) VCF-style: chr5-58285662-C-G.
Other names: c.1189G>C, p.Asp397His (NM_001165899.2, NM_001364599.1); c.1180G>C, p.Asp394His (NM_001197218.2); c.1006G>C, p.Asp336His (NM_001197219.2); c.982G>C, p.Asp328His (NM_001197220.2); c.466G>C, p.Asp156His (NM_001197221.2, NM_001364603.1); c.700G>C, p.Asp234His (NM_001197222.2); c.499G>C, p.Asp167His (NM_001197223.2); c.1159G>C, p.Asp387His (NM_001349241.2); and 3 more; short protein forms D167H, D202H, D234H, D336H, D348H, D458H, D156H, D328H.
Identifiers: ClinVar variation 1376428 (VCV001376428.6), dbSNP rs992592300, ClinGen allele CA118796016.